The following is an entry in ClinVar:

ClinVar aggregate classification (germline): Likely benign. Review status: criteria provided, multiple submitters, no conflicts (2 of 4 stars). 3 submissions from 3 submitters: Likely benign (2). 1 of the submissions does not count toward it. Last evaluated 2024-03-30.

Conditions:
DNAI2-related disorder. Also called: DNAI2-related condition.
Primary ciliary dyskinesia. Also called: Ciliary dyskinesia. Identifiers: Orphanet 244, MedGen C0008780, MONDO:0016575, HP:0012265.

Allele frequency attached by ClinVar (database versions not stated): ExAC 0.00001; gnomAD exomes 0.00001; TOPMed 0.00001; ESP Exome Variant Server 0.00008.
gnomAD v4.1: 11 of 1,614,164 alleles (0.00068%); highest among the groups gnomAD compares: East Asian, 0.0022%; no homozygotes.

Submissions (3):

Labcorp Genetics (formerly Invitae), Labcorp
Classification: Likely benign for Primary ciliary dyskinesia. Last evaluated: 2024-03-30. Review status: criteria provided, single submitter. Criteria: Invitae Variant Classification Sherloc (09022015). Collection method: clinical testing. Allele origin: germline.

Ambry Genetics
Classification: Likely benign for Primary ciliary dyskinesia. Last evaluated: 2017-03-16. Review status: criteria provided, single submitter. Criteria: Ambry Variant Classification Scheme 2023. Collection method: clinical testing. Allele origin: germline.

PreventionGenetics, part of Exact Sciences
Classification: Likely benign for DNAI2-related condition. Last evaluated: 2019-03-15. Review status: no assertion criteria provided. Collection method: clinical testing. Allele origin: germline. Not counted in ClinVar's aggregate classification.
Comment: This variant is classified as likely benign based on ACMG/AMP sequence variant interpretation guidelines (Richards et al. 2015 PMID: 25741868, with internal and published modifications).

NM_023036.6(DNAI2):c.648G>A (p.Ser216=)

Gene: DNAI2 (dynein axonemal intermediate chain 2; plus strand). Cytogenetic location: 17q25.1.
Variant type: single nucleotide variant.
Coding change: c.648G>A on transcript NM_023036.6 (MANE Select); coding-DNA position 648, G replaced by A.
Protein change: p.Ser216=; no amino-acid change (serine 216 retained).
Molecular consequence: synonymous variant. On other transcripts: non-coding transcript variant (1).
Genome position (GRCh38, 1-based): chr17:74,291,057, G>A. VCF-style: chr17-74291057-G-A. GRCh37 (hg19) VCF-style: chr17-72287196-G-A.
Other names: c.648G>A, p.Ser216= (NM_001172810.3, NM_001353167.2).
Identifiers: ClinVar variation 1753819 (VCV001753819.7), dbSNP rs372009842, ClinGen allele CA8745437.
Genomic context (GRCh38, chr17:74,291,057, plus strand): 5'-GATAATTTTTTTGTGCTTTATAGAAAACCCCAACAAGCCTGAACTTGCTCTGAAGCCATC[G>A]TCTCCACTCGTGACGTTGGAGTTCAACCCCAAAGATTCCCACGTACTCCTGGGTGGCTGC-3'
Protein context (NP_075462.3, residues 206-226): PNKPELALKP[Ser216=]SPLVTLEFNP